The following is an entry in ClinVar:

NM_001128227.3(GNE):c.82_83dup (p.Asn28fs)

Gene: GNE (glucosamine (UDP-N-acetyl)-2-epimerase/N-acetylmannosamine kinase; minus strand). Cytogenetic location: 9p13.3.
Variant type: Duplication.
Coding change: c.82_83dup on transcript NM_001128227.3 (MANE Plus Clinical); coding-DNA positions 82 to 83, 2 bases duplicated (AA; older notation c.82_83dupAA).
Protein change: p.Asn28fs; shifts the reading frame from asparagine 28.
Molecular consequence: frameshift variant. On other transcripts: 5 prime UTR variant (3), intron variant (3).
Genome position (GRCh38, 1-based): chr9:36,249,366-36,249,367, TT duplicated on the plus strand (AA on the coding strand, the reverse complement: GNE is on the minus strand); duplicating any 2 consecutive bases within chr9:36,249,366-36,249,368 gives the same sequence; the c. name uses the placement nearest the transcript's 3' end. VCF-style (leftmost placement, unchanged base first): chr9-36249365-G-GTT. GRCh37 (hg19) VCF-style: chr9-36249362-G-GTT.
Other names: c.-12_-11dup (NM_001190383.3, NM_001374797.1, NM_005476.7); c.-13-2886_-13-2885dup (NM_001190388.2, NM_001190384.3, NM_001374798.1); c.82_83dupAA (NM_001128227.2); short protein forms N28fs.
Identifiers: ClinVar variation 555259 (VCV000555259.7), dbSNP rs1554664095, ClinGen allele CA658822310.

ClinVar aggregate classification (germline): Pathogenic. Review status: criteria provided, single submitter (1 of 4 stars). 2 submissions from 2 submitters: Pathogenic (1). 1 of the submissions does not count toward it. Last evaluated 2020-11-20.

Conditions:
GNE myopathy (NM). Also called: INCLUSION BODY MYOPATHY, HEREDITARY, AUTOSOMAL RECESSIVE; NONAKA DISTAL MYOPATHY; INCLUSION BODY MYOPATHY 2, AUTOSOMAL RECESSIVE; MYOPATHY, DISTAL, WITH OR WITHOUT RIMMED VACUOLES; IBM 2; Inclusion body myopathy autosomal recessive. Identifiers: Orphanet 602, MedGen C1853926, MONDO:0011603, OMIM 605820.
Sialuria. Also called: SIALURIA, FRENCH TYPE; Sialic Acid Storage Disease. Identifiers: Orphanet 3166, MedGen C0342853, MONDO:0010028, OMIM 269921.

Submissions (2):

Labcorp Genetics (formerly Invitae), Labcorp
Classification: Pathogenic for Sialuria; GNE myopathy. Last evaluated: 2020-11-20. Review status: criteria provided, single submitter. Criteria: Invitae Variant Classification Sherloc (09022015). Collection method: clinical testing. Allele origin: germline.
Comment: This sequence change creates a premature translational stop signal (p.Asn28Lysfs*55) in the GNE gene. It is expected to result in an absent or disrupted protein product. Loss-of-function variants in GNE are known to be pathogenic (PMID: 24027297). This variant is not present in population databases (ExAC no frequency). This variant has not been reported in the literature in individuals with GNE-related conditions. ClinVar contains an entry for this variant (Variation ID: 555259). For these reasons, this variant has been classified as Pathogenic.

Counsyl
Classification: Uncertain significance for GNE myopathy. Last evaluated: 2017-11-27. Review status: no assertion criteria provided. Collection method: clinical testing. Allele origin: unknown. Not counted in ClinVar's aggregate classification.

Literature cited by the submitters: PubMed 24027297 (cited by Labcorp Genetics (formerly Invitae), Labcorp).